The following is an entry in ClinVar:

ClinVar aggregate classification (germline): Uncertain significance. Review status: criteria provided, multiple submitters, no conflicts (2 of 4 stars). 3 submissions from 3 submitters: Uncertain significance (3). Last evaluated 2026-07-09.

Conditions:
Kabuki syndrome. Also called: NIIKAWA-KUROKI SYNDROME; Kabuki make-up syndrome. Identifiers: Orphanet 2322, MedGen C0796004, MONDO:0016512.

Submissions (3):

GeneDx
Classification: Uncertain significance. Last evaluated: 2026-07-09. Review status: criteria provided, single submitter. Criteria: GeneDx Variant Classification Process June 2021. Collection method: clinical testing. Allele origin: germline.
Comment: Not observed at significant frequency in large population cohorts (gnomAD); In silico analysis indicates that this missense variant does not alter protein structure/function; Has not been previously published as pathogenic or benign to our knowledge

CeGaT Center for Human Genetics Tuebingen
Classification: Uncertain significance. Last evaluated: 2026-04-01. Review status: criteria provided, single submitter. Criteria: CeGaT Center For Human Genetics Tuebingen Variant Classification Criteria Version 2. Collection method: clinical testing. Allele origin: germline. Affected: yes. Observed: 1 variant allele.
Comment: KMT2D: PM2

Labcorp Genetics (formerly Invitae), Labcorp
Classification: Uncertain significance for Kabuki syndrome. Last evaluated: 2025-06-08. Review status: criteria provided, single submitter. Criteria: Invitae Variant Classification Sherloc (09022015). Collection method: clinical testing. Allele origin: germline.
Comment: This sequence change replaces proline, which is neutral and non-polar, with serine, which is neutral and polar, at codon 1945 of the KMT2D protein (p.Pro1945Ser). This variant is not present in population databases (gnomAD no frequency). This variant has not been reported in the literature in individuals affected with KMT2D-related conditions. ClinVar contains an entry for this variant (Variation ID: 3573789). Invitae Evidence Modeling of protein sequence and biophysical properties (such as structural, functional, and spatial information, amino acid conservation, physicochemical variation, residue mobility, and thermodynamic stability) indicates that this missense variant is not expected to disrupt KMT2D protein function with a negative predictive value of 95%. In summary, the available evidence is currently insufficient to determine the role of this variant in disease. Therefore, it has been classified as a Variant of Uncertain Significance.

NM_003482.4(KMT2D):c.5833C>T (p.Pro1945Ser)

Gene: KMT2D (lysine methyltransferase 2D; minus strand). Cytogenetic location: 12q13.12.
Variant type: single nucleotide variant.
Coding change: c.5833C>T on transcript NM_003482.4 (MANE Select); coding-DNA position 5833, C replaced by T.
Protein change: p.Pro1945Ser; replaces proline 1945 with serine.
Molecular consequence: missense variant.
Genome position (GRCh38, 1-based): chr12:49,042,595, G>A on the plus strand (C>T on the coding strand, the complement: KMT2D is on the minus strand). VCF-style: chr12-49042595-G-A. GRCh37 (hg19) VCF-style: chr12-49436378-G-A.
Other names: short protein forms P1945S.
Identifiers: ClinVar variation 3573789 (VCV003573789.6).